The following is an entry in ClinVar:

ClinVar aggregate classification (germline): Uncertain significance. Review status: criteria provided, multiple submitters, no conflicts (2 of 4 stars). 3 submissions from 3 submitters: Uncertain significance (3). Last evaluated 2026-01-31.

Conditions:
Hereditary cancer-predisposing syndrome. Also called: Neoplastic Syndromes, Hereditary; Tumor predisposition; Hereditary Cancer Syndrome; Hereditary neoplastic syndrome. Identifiers: Orphanet 140162, MedGen C0027672, MeSH D009386, MONDO:0015356.
Familial cancer of breast. Also called: BREAST CANCER, FAMILIAL; Hereditary breast cancer; hereditary breast carcinoma. Identifiers: Orphanet 227535, MedGen C0346153, MONDO:0016419, OMIM 114480. Disease mechanism: loss of function.

Allele frequency attached by ClinVar (database versions not stated): gnomAD exomes below 0.00001.
gnomAD v4.1: 2 of 1,605,900 alleles (0.00012%); highest among the groups gnomAD compares: South Asian, 0.0011%; no homozygotes.

Submissions (3):

Labcorp Genetics (formerly Invitae), Labcorp
Classification: Uncertain significance for Familial cancer of breast. Last evaluated: 2026-01-31. Review status: criteria provided, single submitter. Criteria: Invitae Variant Classification Sherloc (09022015). Collection method: clinical testing. Allele origin: germline.
Comment: This sequence change replaces isoleucine, which is neutral and non-polar, with threonine, which is neutral and polar, at codon 1037 of the PALB2 protein (p.Ile1037Thr). This variant is not present in population databases (gnomAD no frequency). This variant has not been reported in the literature in individuals affected with PALB2-related conditions. ClinVar contains an entry for this variant (Variation ID: 484219). Invitae Evidence Modeling of protein sequence and biophysical properties (such as structural, functional, and spatial information, amino acid conservation, physicochemical variation, residue mobility, and thermodynamic stability) indicates that this missense variant is expected to disrupt PALB2 protein function with a positive predictive value of 80%. Experimental studies are conflicting or provide insufficient evidence to determine the effect of this variant on PALB2 function (PMID: 31757951, 33139182, 33964450). In summary, the available evidence is currently insufficient to determine the role of this variant in disease. Therefore, it has been classified as a Variant of Uncertain Significance.

Ambry Genetics
Classification: Uncertain significance for Hereditary cancer-predisposing syndrome. Last evaluated: 2025-03-26. Review status: criteria provided, single submitter. Criteria: Ambry Variant Classification Scheme 2023. Collection method: clinical testing. Allele origin: germline.
Comment: The p.I1037T variant (also known as c.3110T>C), located in coding exon 10 of the PALB2 gene, results from a T to C substitution at nucleotide position 3110. The isoleucine at codon 1037 is replaced by threonine, an amino acid with similar properties. This alteration was found to be functionally normal in a DNA-repair assay (Brnich SE et al. J Mol Diagn, 2021 07;23:847-864). In a homology-directed DNA repair (HDR) assay, this alteration was found to be functionally abnormal. In a PARP inhibitor sensitivity assay, this alteration was found to be functionally inconclusive (Boonen RACM et al. Nat Commun, 2019 11;10:5296). This amino acid position is well conserved in available vertebrate species. In addition, the in silico prediction for this alteration is inconclusive. Based on the available evidence, the clinical significance of this variant remains unclear.

Color Diagnostics, LLC DBA Color Health
Classification: Uncertain significance for Hereditary cancer-predisposing syndrome. Last evaluated: 2024-02-20. Review status: criteria provided, single submitter. Criteria: ACMG Guidelines, 2015. Collection method: clinical testing. Allele origin: germline.
Comment: This missense variant replaces isoleucine with threonine at codon 1037 of the PALB2 protein. Computational prediction tool is inconclusive regarding the impact of this variant on protein structure and function. Functional studies have report no to varying impairment of PALB2 homology-directed repair activity (PMID: 31757951, 33139182, 33964450) which may be attributed to decreased protein levels (PMID: 31757951). This variant has been detected in a breast cancer case-control meta-analysis in 1/60466 cases and 1/53461 unaffected individuals (PMID: 33471991; Leiden Open Variation Database DB-ID PALB2_010677). This variant has not been identified in the general population by the Genome Aggregation Database (gnomAD). The available evidence is insufficient to determine the role of this variant in disease conclusively. Therefore, this variant is classified as a Variant of Uncertain Significance.

Literature cited by the submitters: PubMed 31757951 (cited by 3 submitters); PubMed 33139182 (cited by Labcorp Genetics (formerly Invitae), Labcorp and Color Diagnostics, LLC DBA Color Health); PubMed 33964450 (cited by 3 submitters); PubMed 33471991 (cited by Color Diagnostics, LLC DBA Color Health).

NM_024675.4(PALB2):c.3110T>C (p.Ile1037Thr)

Gene: PALB2 (partner and localizer of BRCA2; minus strand). Cytogenetic location: 16p12.2.
Variant type: single nucleotide variant.
Coding change: c.3110T>C on transcript NM_024675.4 (MANE Select); coding-DNA position 3110, T replaced by C.
Protein change: p.Ile1037Thr; replaces isoleucine 1037 with threonine.
Molecular consequence: missense variant.
Genome position (GRCh38, 1-based): chr16:23,621,365, A>G on the plus strand (T>C on the coding strand, the complement: PALB2 is on the minus strand). VCF-style: chr16-23621365-A-G. GRCh37 (hg19) VCF-style: chr16-23632686-A-G.
Other names: short protein forms I1037T.
Identifiers: ClinVar variation 484219 (VCV000484219.21), dbSNP rs1555459356, ClinGen allele CA395142764.